The following is an entry in ClinVar:

ClinVar aggregate classification (germline): Uncertain significance (1 of 4 stars; one submission).

Conditions:
Inborn genetic diseases. Identifiers: MedGen C0950123, MeSH D030342.

Submission:

Ambry Genetics
Classification: Uncertain significance for Inborn genetic diseases. Last evaluated: 2026-04-20. Review status: criteria provided, single submitter. Criteria: Ambry Variant Classification Scheme 2023. Collection method: clinical testing. Allele origin: germline.
Comment: The p.Q431H variant (also known as c.1293G>T), located in coding exon 12 of the ANKRD26 gene, results from a G to T substitution at nucleotide position 1293. The glutamine at codon 431 is replaced by histidine, an amino acid with highly similar properties. This amino acid position is conserved. In addition, this alteration is predicted to be tolerated by in silico analysis. Based on the available evidence, the clinical significance of this variant remains unclear.

NM_014915.3(ANKRD26):c.1293G>T (p.Gln431His)

Gene: ANKRD26 (ankyrin repeat domain 26; minus strand). Cytogenetic location: 10p12.1.
Variant type: single nucleotide variant.
Coding change: c.1293G>T on transcript NM_014915.3 (MANE Select); coding-DNA position 1293, G replaced by T.
Protein change: p.Gln431His; replaces glutamine 431 with histidine.
Molecular consequence: missense variant.
Genome position (GRCh38, 1-based): chr10:27,064,058, C>A on the plus strand (G>T on the coding strand, the complement: ANKRD26 is on the minus strand). VCF-style: chr10-27064058-C-A. GRCh37 (hg19) VCF-style: chr10-27352987-C-A.
Other names: c.1293G>T, p.Gln431His (NM_001256053.2); short protein forms Q431H.
Identifiers: ClinVar variation 4859420 (VCV004859420.1).